The following is an entry in ClinVar:

ClinVar aggregate classification (germline): Conflicting classifications of pathogenicity. Review status: criteria provided, conflicting classifications (1 of 4 stars). 3 submissions from 3 submitters: Uncertain significance (1); Likely benign (2). Last evaluated 2025-11-17.

Conditions:
Familial adenomatous polyposis 2. Also called: COLORECTAL ADENOMATOUS POLYPOSIS, AUTOSOMAL RECESSIVE; ADENOMAS, MULTIPLE COLORECTAL, AUTOSOMAL RECESSIVE; MUTYH-associated polyposis; MUTYH-related attenuated familial adenomatous polyposis; Adenomas, multiple colorectal; FAP type 2. Identifiers: Orphanet 220460, Orphanet 247798, MedGen C3272841, MONDO:0012041, OMIM 608456.

gnomAD v4.1: 1 of 1,607,022 alleles (0.000062%); no homozygotes.

Submissions (3):

Labcorp Genetics (formerly Invitae), Labcorp
Classification: Likely benign for Familial adenomatous polyposis 2. Last evaluated: 2025-11-17. Review status: criteria provided, single submitter. Criteria: Invitae Variant Classification Sherloc (09022015). Collection method: clinical testing. Allele origin: germline.

Illumina Laboratory Services, Illumina
Classification: Uncertain significance for Familial adenomatous polyposis 2. Last evaluated: 2018-01-12. Review status: criteria provided, single submitter. Criteria: ICSL Variant Classification Criteria 13 December 2019. Collection method: clinical testing. Allele origin: germline.

GeneDx
Classification: Likely benign. Last evaluated: 2017-10-23. Review status: criteria provided, single submitter. Criteria: GeneDx Variant Classification (06012015). Collection method: clinical testing. Allele origin: germline. Affected: yes.
Comment: This variant is considered likely benign or benign based on one or more of the following criteria: it is a conservative change, it occurs at a poorly conserved position in the protein, it is predicted to be benign by multiple in silico algorithms, and/or has population frequency not consistent with disease.

NM_001048174.2(MUTYH):c.1393-11T>G

Gene: MUTYH (mutY DNA glycosylase; minus strand). Cytogenetic location: 1p34.1.
Variant type: single nucleotide variant.
Coding change: c.1393-11T>G on transcript NM_001048174.2 (MANE Select); 11 bases into the intron before coding-DNA position 1393, T replaced by G.
Molecular consequence: intron variant.
Genome position (GRCh38, 1-based): chr1:45,330,568, A>C on the plus strand (T>G on the coding strand, the complement: MUTYH is on the minus strand). VCF-style: chr1-45330568-A-C. GRCh37 (hg19) VCF-style: chr1-45796240-A-C.
Other names: c.1048-11T>G (NM_001350651.2, NM_001350650.2); c.1117-11T>G (NM_001293192.2, NM_001293196.2); c.1393-11T>G (NM_001048171.2, NM_001048173.2, NM_001293195.2); c.1438-11T>G (NM_001293190.2); c.1468-11T>G (NM_012222.3); c.1477-11T>G (NM_001128425.2); c.1396-11T>G (NM_001048172.2); c.1426-11T>G (NM_001293191.2).
Identifiers: ClinVar variation 297468 (VCV000297468.8), dbSNP rs868701952, ClinGen allele CA10611305.